The following is an entry in ClinVar:

ClinVar aggregate classification (germline): Uncertain significance (1 of 4 stars; one submission).

Conditions:
Surfactant metabolism dysfunction, pulmonary, 4 (SMDP4). Also called: PULMONARY ALVEOLAR PROTEINOSIS, CONGENITAL, 4; CSF2RA DEFICIENCY; PAP DUE TO CSF2RA DEFICIENCY. Identifiers: Orphanet 264675, MedGen C2677877, MONDO:0010424, OMIM 300770.

Allele frequency attached by ClinVar (database versions not stated): gnomAD 0.00001; TOPMed 0.00001.
gnomAD v4.1: 1 of 1,613,854 alleles (0.000062%); highest among the groups gnomAD compares: African/African-American, 0.0013%; no homozygotes.

Submission:

Labcorp Genetics (formerly Invitae), Labcorp
Classification: Uncertain significance for Surfactant metabolism dysfunction, pulmonary, 4. Last evaluated: 2022-07-11. Review status: criteria provided, single submitter. Criteria: Invitae Variant Classification Sherloc (09022015). Collection method: clinical testing. Allele origin: germline.
Comment: This variant is not present in population databases (gnomAD no frequency). In summary, the available evidence is currently insufficient to determine the role of this variant in disease. Therefore, it has been classified as a Variant of Uncertain Significance. Algorithms developed to predict the effect of missense changes on protein structure and function are either unavailable or do not agree on the potential impact of this missense change (SIFT: "Tolerated"; PolyPhen-2: "Not Available"; Align-GVGD: "Class C0"). ClinVar contains an entry for this variant (Variation ID: 646177). This variant has not been reported in the literature in individuals affected with CSF2RA-related conditions. This sequence change replaces isoleucine, which is neutral and non-polar, with arginine, which is basic and polar, at codon 352 of the CSF2RA protein (p.Ile352Arg).

NM_172245.4(CSF2RA):c.1055T>G (p.Ile352Arg)

Gene: CSF2RA (colony stimulating factor 2 receptor subunit alpha; plus strand). Cytogenetic location: Xp22.33.
Variant type: single nucleotide variant.
Coding change: c.1055T>G on transcript NM_172245.4 (MANE Select); coding-DNA position 1055, T replaced by G.
Protein change: p.Ile352Arg; replaces isoleucine 352 with arginine.
Molecular consequence: missense variant. On other transcripts: non-coding transcript variant (1), intron variant (1).
Genome position (GRCh38, 1-based): chrX:1,305,457, T>G. VCF-style: chrX-1305457-T-G. GRCh37 (hg19) VCF-style: chrX-1424350-T-G.
Other names: c.1055T>G, p.Ile352Arg (NM_001161529.2, NM_001161531.2, NM_001379155.1 and 9 more transcripts); c.1157T>G, p.Ile386Arg (NM_001161530.2, NM_001379153.1, NM_001379154.1); c.656T>G, p.Ile219Arg (NM_001161532.2); c.1025T>G, p.Ile342Arg (NM_001379160.1); c.866T>G, p.Ile289Arg (NM_001379166.1); c.958T>G, p.Tyr320Asp (NM_001379167.1, NM_001379168.1, NM_001379169.1 and 1 more transcripts); c.658T>G, p.Tyr220Asp (NM_172249.4); c.947-3945T>G (NM_172246.4); short protein forms I386R, I219R, I352R, Y220D, Y320D, I289R, I342R.
Identifiers: ClinVar variation 646177 (VCV000646177.8), dbSNP rs1310278957, ClinGen allele CA412237010.